The following is an entry in ClinVar:

NM_182961.4(SYNE1):c.5513A>T (p.Asp1838Val)

Gene: SYNE1 (spectrin repeat containing nuclear envelope protein 1; minus strand). Cytogenetic location: 6q25.2.
Variant type: single nucleotide variant.
Coding change: c.5513A>T on transcript NM_182961.4 (MANE Select); coding-DNA position 5513, A replaced by T.
Protein change: p.Asp1838Val; replaces aspartic acid 1838 with valine.
Molecular consequence: missense variant.
Genome position (GRCh38, 1-based): chr6:152,416,924, T>A on the plus strand (A>T on the coding strand, the complement: SYNE1 is on the minus strand). VCF-style: chr6-152416924-T-A. GRCh37 (hg19) VCF-style: chr6-152738059-T-A.
Other names: c.5534A>T, p.Asp1845Val (NM_033071.5); short protein forms D1838V, D1845V.
Identifiers: ClinVar variation 2579765 (VCV002579765.1), dbSNP rs770780131, ClinGen allele CA4058255.

ClinVar aggregate classification (germline): Uncertain significance (1 of 4 stars; one submission).

Allele frequency attached by ClinVar (database versions not stated): ExAC 0.00001.
gnomAD v4.1: 2 of 1,613,908 alleles (0.00012%); highest among the groups gnomAD compares: South Asian, 0.0011%; no homozygotes.

Submission:

GeneDx
Classification: Uncertain significance. Last evaluated: 2023-03-14. Review status: criteria provided, single submitter. Criteria: GeneDx Variant Classification Process June 2021. Collection method: clinical testing. Allele origin: germline. Affected: yes.
Comment: Not observed at significant frequency in large population cohorts (gnomAD); In silico analysis supports that this missense variant has a deleterious effect on protein structure/function; Has not been previously published as pathogenic or benign to our knowledge